The following is an entry in ClinVar:

ClinVar aggregate classification (germline): Pathogenic (1 of 4 stars; one submission).

Conditions:
Hereditary cancer-predisposing syndrome. Also called: Neoplastic Syndromes, Hereditary; Tumor predisposition; Hereditary Cancer Syndrome; Hereditary neoplastic syndrome. Identifiers: Orphanet 140162, MedGen C0027672, MeSH D009386, MONDO:0015356.

Submission:

Ambry Genetics
Classification: Pathogenic for Hereditary cancer-predisposing syndrome. Last evaluated: 2026-01-15. Review status: criteria provided, single submitter. Criteria: Ambry Variant Classification Scheme 2023. Collection method: clinical testing. Allele origin: germline.
Comment: The p.E173* pathogenic mutation (also known as c.517G>T), located in coding exon 3 of the CHEK2 gene, results from a G to T substitution at nucleotide position 517. This changes the amino acid from a glutamic acid to a stop codon within coding exon 3. This variant is considered to be rare based on population cohorts in the Genome Aggregation Database (gnomAD). This alteration is expected to result in loss of function by premature protein truncation or nonsense-mediated mRNA decay. As such, this alteration is interpreted as a disease-causing mutation.

NM_007194.4(CHEK2):c.517G>T (p.Glu173Ter)

Gene: CHEK2 (checkpoint kinase 2; minus strand). Cytogenetic location: 22q12.1.
Variant type: single nucleotide variant.
Coding change: c.517G>T on transcript NM_007194.4 (MANE Select); coding-DNA position 517, G replaced by T.
Protein change: p.Glu173Ter; replaces glutamic acid 173 with a stop codon.
Molecular consequence: nonsense. On other transcripts: 5 prime UTR variant (2), intron variant (1).
Genome position (GRCh38, 1-based): chr22:28,725,052, C>A on the plus strand (G>T on the coding strand, the complement: CHEK2 is on the minus strand). VCF-style: chr22-28725052-C-A. GRCh37 (hg19) VCF-style: chr22-29121040-C-A.
Other names: c.646G>T, p.Glu216Ter (NM_001005735.3, NM_001438294.1); c.-261G>T (NM_001257387.3); c.-147G>T (NM_001437942.1); c.610G>T, p.Glu204Ter (NM_001438293.1, NM_001438295.1); c.517G>T, p.Glu173Ter (NM_145862.3); c.445-129G>T (NM_001349956.3); short protein forms E204*, E216*, E173*.
Identifiers: ClinVar variation 4843227 (VCV004843227.1).
Genomic context (GRCh38, chr22:28,725,052, plus strand): 5'-GTGACAGTGCAATTTCAGAATTGTTATTCAAAGGACGGCGTTTTCCTTTCCCTACAAGCT[C>A]TGTATTTACAAAGGTTCCATTGCCACTGTGATCTTCTATGTATGCAATGTAAGAGTTTTT-3'